The following is an entry in ClinVar:

ClinVar aggregate classification (germline): Uncertain significance. Review status: criteria provided, multiple submitters, no conflicts (2 of 4 stars). 3 submissions from 3 submitters: Uncertain significance (2). 1 of the submissions does not count toward it. Last evaluated 2022-09-01.

Conditions:
Inborn genetic diseases. Identifiers: MedGen C0950123, MeSH D030342.
Zellweger spectrum disorders (ZS). Also called: Zellweger syndrome; Zellweger Spectrum Disorder (ZSD); Zellweger Spectrum Disorder; Zellweger Spectrum. Identifiers: Orphanet 912, MedGen C0043459, MONDO:0019609.
Peroxisome biogenesis disorder 5A (Zellweger) (PBD5A). Identifiers: Orphanet 912, MedGen C3553940, MONDO:0013932, OMIM 614866.

Allele frequency attached by ClinVar (database versions not stated): TOPMed 0.00005; ExAC 0.00007; gnomAD exomes 0.00008; gnomAD 0.00009 and 0.00010; 1000 Genomes Project 0.00020; 1000 Genomes Project 30x 0.00031.
gnomAD v4.1: 54 of 1,613,468 alleles (0.0033%); highest among the groups gnomAD compares: Admixed American, 0.045%; no homozygotes.

Submissions (3):

Labcorp Genetics (formerly Invitae), Labcorp
Classification: Uncertain significance for Peroxisome biogenesis disorder 5A (Zellweger). Last evaluated: 2022-09-01. Review status: criteria provided, single submitter. Criteria: Invitae Variant Classification Sherloc (09022015). Collection method: clinical testing. Allele origin: germline.
Comment: This sequence change replaces arginine, which is basic and polar, with histidine, which is basic and polar, at codon 51 of the PEX2 protein (p.Arg51His). This variant is present in population databases (rs549242503, gnomAD 0.05%). This variant has not been reported in the literature in individuals affected with PEX2-related conditions. ClinVar contains an entry for this variant (Variation ID: 1025622). Algorithms developed to predict the effect of missense changes on protein structure and function output the following: SIFT: "Tolerated"; PolyPhen-2: "Benign"; Align-GVGD: "Class C0". The histidine amino acid residue is found in multiple mammalian species, which suggests that this missense change does not adversely affect protein function. In summary, the available evidence is currently insufficient to determine the role of this variant in disease. Therefore, it has been classified as a Variant of Uncertain Significance.

Ambry Genetics
Classification: Uncertain significance for Inborn genetic diseases. Last evaluated: 2021-07-13. Review status: criteria provided, single submitter. Criteria: Ambry Variant Classification Scheme 2023. Collection method: clinical testing. Allele origin: germline.

Natera, Inc.
Classification: Uncertain significance for Zellweger syndrome. Last evaluated: 2020-05-22. Review status: no assertion criteria provided. Collection method: clinical testing. Allele origin: germline. Not counted in ClinVar's aggregate classification.

NM_000318.3(PEX2):c.152G>A (p.Arg51His)

Gene: PEX2 (peroxisomal biogenesis factor 2; minus strand). Cytogenetic location: 8q21.13.
Variant type: single nucleotide variant.
Coding change: c.152G>A on transcript NM_000318.3 (MANE Select); coding-DNA position 152, G replaced by A.
Protein change: p.Arg51His; replaces arginine 51 with histidine.
Molecular consequence: missense variant.
Genome position (GRCh38, 1-based): chr8:76,984,027, C>T on the plus strand (G>A on the coding strand, the complement: PEX2 is on the minus strand). VCF-style: chr8-76984027-C-T. GRCh37 (hg19) VCF-style: chr8-77896263-C-T.
Other names: c.152G>A (NM_000318.2); c.152G>A, p.Arg51His (NM_001079867.2, NM_001172086.2, NM_001172087.2); short protein forms R51H.
Identifiers: ClinVar variation 1025622 (VCV001025622.5), dbSNP rs549242503, ClinGen allele CA4788762.
Genomic context (GRCh38, chr8:76,984,027, plus strand): 5'-GAGTAGATGGTGAATCTCCACAAGAAAACCCATAAGCACGCTTTCACCTCTGGCTCAAAG[C>T]GAGCTAACAGCCCAGGTTTAAATCCATGAAAGCACTGAGTAAACTGGGACCAAACTAGCT-3'
Protein context (NP_000309.2, residues 41-61): FHGFKPGLLA[Arg51His]FEPEVKACLW